The following is an entry in ClinVar:

ClinVar aggregate classification (germline): Conflicting classifications of pathogenicity. Review status: criteria provided, conflicting classifications (1 of 4 stars). 8 submissions from 8 submitters: Uncertain significance (4); Likely benign (1). 3 of the submissions do not count toward it. Last evaluated 2025-10-15.

Conditions:
LOXHD1-related disorder. Also called: LOXHD1-related condition.
Autosomal recessive nonsyndromic hearing loss 77. Identifiers: Orphanet 90636, MedGen C2746083, MONDO:0013119, OMIM 613079.

Allele frequency attached by ClinVar (database versions not stated): ExAC 0.00027; gnomAD exomes 0.00045 and 0.00125; gnomAD 0.00051 and 0.00056; TOPMed 0.00054; 1000 Genomes Project 0.00060; 1000 Genomes Project 30x 0.00062; ESP Exome Variant Server 0.00088.

Submissions (8):

PreventionGenetics, part of Exact Sciences
Classification: Uncertain significance for LOXHD1-related condition. Last evaluated: 2025-10-15. Review status: criteria provided, single submitter. Criteria: ACMG Guidelines, 2015. Collection method: clinical testing. Allele origin: germline.
Comment: The LOXHD1 c.889A>C variant is predicted to result in the amino acid substitution p.Thr297Pro. To our knowledge, this variant has not been reported in the literature. This variant is reported in 0.10% of alleles in individuals of European (Non-Finnish) descent in gnomAD. Although we suspect that this variant may be benign, at this time, the clinical significance of this variant is uncertain due to the absence of conclusive functional and genetic evidence.

Labcorp Genetics (formerly Invitae), Labcorp
Classification: Uncertain significance. Last evaluated: 2022-10-17. Review status: criteria provided, single submitter. Criteria: Invitae Variant Classification Sherloc (09022015). Collection method: clinical testing. Allele origin: germline.
Comment: This sequence change replaces threonine, which is neutral and polar, with proline, which is neutral and non-polar, at codon 297 of the LOXHD1 protein (p.Thr297Pro). This variant is present in population databases (rs117747744, gnomAD 0.1%). This variant has not been reported in the literature in individuals affected with LOXHD1-related conditions. ClinVar contains an entry for this variant (Variation ID: 178405). Algorithms developed to predict the effect of missense changes on protein structure and function (SIFT, PolyPhen-2, Align-GVGD) all suggest that this variant is likely to be tolerated. In summary, the available evidence is currently insufficient to determine the role of this variant in disease. Therefore, it has been classified as a Variant of Uncertain Significance.

Institute for Clinical Genetics, University Hospital TU Dresden, University Hospital TU Dresden
Classification: Likely benign. Last evaluated: 2021-11-03. Review status: criteria provided, single submitter. Criteria: ACMG Guidelines, 2015. Collection method: clinical testing. Allele origin: germline.

Illumina Laboratory Services, Illumina
Classification: Uncertain significance for Autosomal recessive nonsyndromic hearing loss 77. Last evaluated: 2018-01-12. Review status: criteria provided, single submitter. Criteria: ICSL Variant Classification Criteria 13 December 2019. Collection method: clinical testing. Allele origin: germline.

Laboratory for Molecular Medicine, Mass General Brigham Personalized Medicine
Classification: Uncertain significance. Last evaluated: 2013-11-25. Review status: criteria provided, single submitter. Criteria: LMM Criteria. Collection method: clinical testing. Allele origin: germline. Observed: 2 variant alleles.
Comment: Variant classified as Uncertain Significance - Favor Benign. The Thr297Pro varia nt in LOXHD1 has not been reported in individuals with hearing loss, but has bee n identified in 1.2% (2/170) of European American and in 0.6% (1/178) of British chromosomes by the 1000 Genomes Project, as well as in 0.1% (4/3182) of Europea n American chromosomes by the NHLBI Exome Sequencing Project (dbSNP rs117747744). Although this variant has been seen in the general population, its frequency is not high enough to rule out a pathogenic ro le. The threonine (Thr) residue at position 297 is not conserved through species , and computational analyses (biochemical amino acid properties, AlignGVGD, Poly Phen2, and SIFT) suggest that the Thr297Pro variant may not impact the protein, though this information is not predictive enough to rule out pathogenicity. In s ummary, the clinical significance of this variant cannot be determined with cert ainty; however, based upon its presence in the general population and the comput ational data, we lean towards a more likely benign role.

Natera, Inc.
Classification: Uncertain significance for Autosomal recessive deafness type 77. Last evaluated: 2020-09-16. Review status: no assertion criteria provided. Collection method: clinical testing. Allele origin: germline. Not counted in ClinVar's aggregate classification.

Clinical Genetics DNA and cytogenetics Diagnostics Lab, Erasmus MC, Erasmus Medical Center
Classification: Uncertain significance. Review status: no assertion criteria provided. Collection method: clinical testing. Allele origin: germline. Affected: yes. Study: VKGL Data-share Consensus. Not counted in ClinVar's aggregate classification.

Joint Genome Diagnostic Labs from Nijmegen and Maastricht, Radboudumc and MUMC+
Classification: Uncertain significance. Review status: no assertion criteria provided. Collection method: clinical testing. Allele origin: germline. Affected: yes. Study: VKGL Data-share Consensus. Not counted in ClinVar's aggregate classification.

NM_001384474.1(LOXHD1):c.889A>C (p.Thr297Pro)

Gene: LOXHD1 (lipoxygenase homology PLAT domains 1; minus strand). Cytogenetic location: 18q21.1.
Variant type: single nucleotide variant.
Coding change: c.889A>C on transcript NM_001384474.1 (MANE Select); coding-DNA position 889, A replaced by C.
Protein change: p.Thr297Pro; replaces threonine 297 with proline.
Molecular consequence: missense variant.
Genome position (GRCh38, 1-based): chr18:46,601,462, T>G on the plus strand (A>C on the coding strand, the complement: LOXHD1 is on the minus strand). VCF-style: chr18-46601462-T-G. GRCh37 (hg19) VCF-style: chr18-44181425-T-G.
Other names: c.889A>C, p.Thr297Pro (NM_144612.7); short protein forms T297P.
Identifiers: ClinVar variation 178405 (VCV000178405.19), dbSNP rs117747744, ClinGen allele CA182262.